The following is an entry in ClinVar:

ClinVar aggregate classification (germline): Uncertain significance (1 of 4 stars; one submission).

Conditions:
Autism, susceptibility to, 16. Also called: AUTISM WITH OR WITHOUT SEIZURES; Autism susceptibility 16. Identifiers: MedGen C3150677, MONDO:0013258, OMIM 613410.

Submission:

Laboratorio de Genetica e Diagnostico Molecular, Hospital Israelita Albert Einstein
Classification: Uncertain significance for Autism, susceptibility to, 16. Last evaluated: 2022-08-19. Review status: criteria provided, single submitter. Criteria: ACMG Guidelines, 2015. Collection method: clinical testing. Allele origin: germline. Affected: yes. Observed: 1 variant allele.
Comment: ACMG classification criteria: PM2 moderated

NM_173653.4(SLC9A9):c.119del (p.Leu40fs)

Gene: SLC9A9 (solute carrier family 9 member A9; minus strand). Cytogenetic location: 3q24.
Variant type: Deletion.
Coding change: c.119del on transcript NM_173653.4 (MANE Select); coding-DNA position 119, one base deleted (T; older notation c.119delT).
Protein change: p.Leu40fs; shifts the reading frame from leucine 40.
Molecular consequence: frameshift variant.
Genome position (GRCh38, 1-based): chr3:143,848,204, A deleted on the plus strand (T on the coding strand, the reverse complement: SLC9A9 is on the minus strand); the first of 2 consecutive A bases (chr3:143,848,204-143,848,205); deleting either gives the same sequence. VCF-style (leftmost placement, unchanged base first): chr3-143848203-TA-T. GRCh37 (hg19) VCF-style: chr3-143567045-TA-T.
Other names: short protein forms L40fs.
Identifiers: ClinVar variation 2431637 (VCV002431637.1), dbSNP rs2473763047, ClinGen allele CA2580068897.